The following is an entry in ClinVar:

NM_020774.4(MIB1):c.1829+131T>A

Gene: MIB1 (MIB E3 ubiquitin protein ligase 1; plus strand). Cytogenetic location: 18q11.2.
Variant type: single nucleotide variant.
Coding change: c.1829+131T>A on transcript NM_020774.4 (MANE Select); 131 bases into the intron after coding-DNA position 1829, T replaced by A.
Molecular consequence: intron variant.
Genome position (GRCh38, 1-based): chr18:21,819,777, T>A. VCF-style: chr18-21819777-T-A. GRCh37 (hg19) VCF-style: chr18-19399738-T-A.
Identifiers: ClinVar variation 678135 (VCV000678135.1), dbSNP rs8098807, ClinGen allele CA297004755.

ClinVar aggregate classification (germline): Benign (1 of 4 stars; one submission).

Allele frequency attached by ClinVar (database versions not stated): 1000 Genomes Project 30x 0.95737; 1000 Genomes Project 0.96066; TOPMed 0.96315; gnomAD 0.96525 and 0.96752; gnomAD exomes 0.99652.
gnomAD v4.1: 509,748 of 516,044 alleles (99%); highest among the groups gnomAD compares: East Asian, 100%; 252,075 homozygotes.

Submission:

GeneDx
Classification: Benign. Last evaluated: 2018-06-14. Review status: criteria provided, single submitter. Criteria: GeneDx Variant Classification (06012015). Collection method: clinical testing. Allele origin: germline. Affected: yes.
Comment: This variant is considered likely benign or benign based on one or more of the following criteria: it is a conservative change, it occurs at a poorly conserved position in the protein, it is predicted to be benign by multiple in silico algorithms, and/or has population frequency not consistent with disease.